The following is an entry in ClinVar:

NM_001085458.2(CTNND1):c.2702-7dup

Genes: CTNND1 (catenin delta 1; plus strand), TMX2-CTNND1 (TMX2-CTNND1 readthrough (NMD candidate); plus strand). Cytogenetic location: 11q12.1.
Variant type: Duplication.
Coding change: c.2702-7dup on transcript NM_001085458.2 (MANE Select); 7 bases into the intron before coding-DNA position 2702, one base duplicated (T; older notation c.2702-7dupT).
Molecular consequence: intron variant.
Genome position (GRCh38, 1-based): chr11:57,815,387, T duplicated; the last of 12 consecutive T bases (chr11:57,815,376-57,815,387); duplicating any one gives the same sequence. VCF-style (leftmost placement, unchanged base first): chr11-57815375-C-CT. GRCh37 (hg19) VCF-style: chr11-57582847-C-CT.
Other names: c.2702-7dup (NM_001206885.2); c.2684-7dup (NM_001085459.2, NM_001085461.2, NM_001085460.2 and 1 more transcripts); c.2621-7dup (NM_001331.3); c.2522-7dup (NM_001206891.2, NM_001206889.2, NM_001206886.2 and 1 more transcripts); c.2381-7dup (NM_001085467.2, NM_001206890.2, NM_001085464.2 and 2 more transcripts); c.2540-7dup (NM_001206883.2, NM_001206884.2); c.2459-7dup (NM_001206887.2); c.2399-7dup (NM_001085463.2, NM_001085466.2); and 1 more.
Identifiers: ClinVar variation 3059303 (VCV003059303.3), dbSNP rs759453121, ClinGen allele CA6010757.

ClinVar aggregate classification (germline): Likely benign. Review status: criteria provided, single submitter (1 of 4 stars). 2 submissions from 2 submitters: Likely benign (1). 1 of the submissions does not count toward it. Last evaluated 2024-11-27.

Conditions:
CTNND1-related disorder. Also called: CTNND1-related condition.

Submissions (2):

Blueprint Genetics
Classification: Likely benign. Last evaluated: 2024-11-27. Review status: criteria provided, single submitter. Criteria: ACMG Guidelines, 2015. Collection method: clinical testing. Allele origin: germline.

PreventionGenetics, part of Exact Sciences
Classification: Likely benign for CTNND1-related condition. Last evaluated: 2019-12-09. Review status: no assertion criteria provided. Collection method: clinical testing. Allele origin: germline. Not counted in ClinVar's aggregate classification.
Comment: This variant is classified as likely benign based on ACMG/AMP sequence variant interpretation guidelines (Richards et al. 2015 PMID: 25741868, with internal and published modifications).